The following is an entry in ClinVar:

NM_001378609.3(OTOGL):c.1524C>T (p.Ile508=)

Gene: OTOGL (otogelin like; plus strand). Cytogenetic location: 12q21.31.
Variant type: single nucleotide variant.
Coding change: c.1524C>T on transcript NM_001378609.3 (MANE Select); coding-DNA position 1524, C replaced by T.
Protein change: p.Ile508=; no amino-acid change (isoleucine 508 retained).
Molecular consequence: synonymous variant.
Genome position (GRCh38, 1-based): chr12:80,255,122, C>T. VCF-style: chr12-80255122-C-T. GRCh37 (hg19) VCF-style: chr12-80648902-C-T.
Other names: c.1524C>T, p.Ile508= (NM_001368062.3, NM_001378610.3, NM_173591.7).
Identifiers: ClinVar variation 4873392 (VCV004873392.2).
Genomic context (GRCh38, chr12:80,255,122, plus strand): 5'-TTCTCACTTTACAACTTTTGATGGTCGACATTATTCTTTTATTGGCATGTGCCAATACAT[C>T]CTCGTGAAAGGAACTGGAAAAGATAAATTCACGATTACTTTACAGAAAGCTCCCTGTGAG-3'
Protein context (NP_001365538.2, residues 498-518): HYSFIGMCQY[Ile508=]LVKGTGKDKF

ClinVar aggregate classification (germline): Likely benign (1 of 4 stars; one submission).

gnomAD v4.1: 28 of 1,526,352 alleles (0.0018%); highest among the groups gnomAD compares: South Asian, 0.035%; no homozygotes.

Submission:

CeGaT Center for Human Genetics Tuebingen
Classification: Likely benign. Last evaluated: 2026-04-01. Review status: criteria provided, single submitter. Criteria: CeGaT Center For Human Genetics Tuebingen Variant Classification Criteria Version 2. Collection method: clinical testing. Allele origin: germline. Affected: yes. Observed: 1 variant allele.
Comment: OTOGL: BP4